The following is an entry in ClinVar:

ClinVar aggregate classification (germline): Uncertain significance. Review status: criteria provided, multiple submitters, no conflicts (2 of 4 stars). 2 submissions from 2 submitters: Uncertain significance (2). Last evaluated 2025-11-22.

Conditions:
POLD1-related polyposis and colorectal cancer syndrome (CRCS10). Also called: Colorectal cancer 10; COLORECTAL CANCER, SUSCEPTIBILITY TO, ON CHROMOSOME 19q; Colorectal cancer, susceptibility to, 10. Identifiers: Orphanet 220460, MedGen C2675481, MONDO:0012953, OMIM 612591.
Hereditary cancer-predisposing syndrome. Also called: Tumor predisposition; Hereditary Cancer Syndrome; Hereditary neoplastic syndrome; Neoplastic Syndromes, Hereditary. Identifiers: Orphanet 140162, MedGen C0027672, MeSH D009386, MONDO:0015356.

Allele frequency attached by ClinVar (database versions not stated): TOPMed below 0.00001; gnomAD 0.00001.

Submissions (2):

Labcorp Genetics (formerly Invitae), Labcorp
Classification: Uncertain significance for POLD1-related polyposis and colorectal cancer syndrome. Last evaluated: 2025-11-22. Review status: criteria provided, single submitter. Criteria: Invitae Variant Classification Sherloc (09022015). Collection method: clinical testing. Allele origin: germline.
Comment: This sequence change replaces aspartic acid, which is acidic and polar, with glycine, which is neutral and non-polar, at codon 1075 of the POLD1 protein (p.Asp1075Gly). This variant is not present in population databases (gnomAD no frequency). This variant has not been reported in the literature in individuals affected with POLD1-related conditions. ClinVar contains an entry for this variant (Variation ID: 1000428). Invitae Evidence Modeling of protein sequence and biophysical properties (such as structural, functional, and spatial information, amino acid conservation, physicochemical variation, residue mobility, and thermodynamic stability) indicates that this missense variant is not expected to disrupt POLD1 protein function with a negative predictive value of 80%. In summary, the available evidence is currently insufficient to determine the role of this variant in disease. Therefore, it has been classified as a Variant of Uncertain Significance.

Ambry Genetics
Classification: Uncertain significance for Hereditary cancer-predisposing syndrome. Last evaluated: 2024-03-19. Review status: criteria provided, single submitter. Criteria: Ambry Variant Classification Scheme 2023. Collection method: clinical testing. Allele origin: germline.
Comment: The p.D1075G variant (also known as c.3224A>G), located in coding exon 26 of the POLD1 gene, results from an A to G substitution at nucleotide position 3224. The aspartic acid at codon 1075 is replaced by glycine, an amino acid with similar properties. This amino acid position is conserved. In addition, the in silico prediction for this alteration is inconclusive. Since supporting evidence is limited at this time, the clinical significance of this alteration remains unclear.

NM_002691.4(POLD1):c.3224A>G (p.Asp1075Gly)

Gene: POLD1 (DNA polymerase delta 1, catalytic subunit; plus strand). Cytogenetic location: 19q13.33.
Variant type: single nucleotide variant.
Coding change: c.3224A>G on transcript NM_002691.4 (MANE Select); coding-DNA position 3224, A replaced by G.
Protein change: p.Asp1075Gly; replaces aspartic acid 1075 with glycine.
Molecular consequence: missense variant. On other transcripts: non-coding transcript variant (1).
Genome position (GRCh38, 1-based): chr19:50,417,847, A>G. VCF-style: chr19-50417847-A-G. GRCh37 (hg19) VCF-style: chr19-50921104-A-G.
Other names: c.3224A>G, p.Asp1075Gly (NM_001256849.1); c.3302A>G, p.Asp1101Gly (NM_001308632.1); short protein forms D1075G, D1101G.
Identifiers: ClinVar variation 1000428 (VCV001000428.12), dbSNP rs2039391930, ClinGen allele CA406987674.